The following is an entry in ClinVar:

ClinVar aggregate classification (germline): Uncertain significance (1 of 4 stars; one submission).

Allele frequency attached by ClinVar (database versions not stated): ExAC 0.00001; gnomAD 0.00001; gnomAD exomes 0.00001; TOPMed 0.00001.
gnomAD v4.1: 18 of 1,614,104 alleles (0.0011%); highest among the groups gnomAD compares: Non-Finnish European, 0.0012%; no homozygotes.

Submission:

GeneDx
Classification: Uncertain significance. Last evaluated: 2023-08-11. Review status: criteria provided, single submitter. Criteria: GeneDx Variant Classification Process June 2021. Collection method: clinical testing. Allele origin: germline. Affected: yes.
Comment: In silico analysis supports that this missense variant does not alter protein structure/function; Has not been previously published as pathogenic or benign to our knowledge

NM_007118.4(TRIO):c.7966G>A (p.Glu2656Lys)

Gene: TRIO (trio Rho guanine nucleotide exchange factor; plus strand). Cytogenetic location: 5p15.2.
Variant type: single nucleotide variant.
Coding change: c.7966G>A on transcript NM_007118.4 (MANE Select); coding-DNA position 7966, G replaced by A.
Protein change: p.Glu2656Lys; replaces glutamic acid 2656 with lysine.
Molecular consequence: missense variant. On other transcripts: non-coding transcript variant (1).
Genome position (GRCh38, 1-based): chr5:14,496,964, G>A. VCF-style: chr5-14496964-G-A. GRCh37 (hg19) VCF-style: chr5-14497073-G-A.
Other names: short protein forms E2656K.
Identifiers: ClinVar variation 1696883 (VCV001696883.4), dbSNP rs771433340, ClinGen allele CA3207672.